The following is an entry in ClinVar:

NM_000432.4(MYL2):c.275-76A>C

Gene: MYL2 (myosin light chain 2; minus strand). Cytogenetic location: 12q24.11.
Variant type: single nucleotide variant.
Coding change: c.275-76A>C on transcript NM_000432.4 (MANE Select); 76 bases into the intron before coding-DNA position 275, A replaced by C.
Molecular consequence: intron variant.
Genome position (GRCh38, 1-based): chr12:110,913,400, T>G on the plus strand (A>C on the coding strand, the complement: MYL2 is on the minus strand). VCF-style: chr12-110913400-T-G. GRCh37 (hg19) VCF-style: chr12-111351204-T-G.
Identifiers: ClinVar variation 671320 (VCV000671320.2), dbSNP rs146401175, ClinGen allele CA243561710.

ClinVar aggregate classification (germline): Likely benign. Review status: criteria provided, multiple submitters, no conflicts (2 of 4 stars). 2 submissions from 2 submitters: Likely benign (2). Last evaluated 2018-06-19.

Allele frequency attached by ClinVar (database versions not stated): 1000 Genomes Project 0.00439; 1000 Genomes Project 30x 0.00406; TOPMed 0.00887.
gnomAD v4.1: 21,081 of 1,498,526 alleles (1.4%); highest among the groups gnomAD compares: Non-Finnish European, 1.5%; 222 homozygotes.

Submissions (2):

GeneDx
Classification: Likely benign. Last evaluated: 2018-06-19. Review status: criteria provided, single submitter. Criteria: GeneDx Variant Classification (06012015). Collection method: clinical testing. Allele origin: germline. Affected: yes.
Comment: This variant is considered likely benign or benign based on one or more of the following criteria: it is a conservative change, it occurs at a poorly conserved position in the protein, it is predicted to be benign by multiple in silico algorithms, and/or has population frequency not consistent with disease.

Breakthrough Genomics
Classification: Likely benign. Review status: criteria provided, single submitter. Criteria: ACMG Guidelines, 2015. Collection method: not provided. Allele origin: germline. Inheritance: Autosomal recessive inheritance. Affected: yes.